The following is an entry in ClinVar:

ClinVar aggregate classification (germline): Likely pathogenic. Review status: criteria provided, multiple submitters, no conflicts (2 of 4 stars). 2 submissions from 2 submitters: Likely pathogenic (2). Last evaluated 2025-03-06.

Conditions:
Hereditary cancer-predisposing syndrome. Also called: Hereditary Cancer Syndrome; Hereditary neoplastic syndrome; Neoplastic Syndromes, Hereditary; Tumor predisposition. Identifiers: Orphanet 140162, MedGen C0027672, MeSH D009386, MONDO:0015356.
Familial cancer of breast. Also called: hereditary breast carcinoma; BREAST CANCER, FAMILIAL; Hereditary breast cancer. Identifiers: Orphanet 227535, MedGen C0346153, MONDO:0016419, OMIM 114480. Disease mechanism: loss of function.
Ataxia-telangiectasia syndrome (AT). Also called: AT, COMPLEMENTATION GROUP C; Cerebello-oculocutaneous telangiectasia; Immunodeficiency with ataxia telangiectasia; Ataxia-telangiectasia, complementation group D; Ataxia-telangiectasia; LOUIS-BAR SYNDROME. Identifiers: Orphanet 100, MedGen C0004135, MONDO:0008840, OMIM 208900.

Submissions (2):

Ambry Genetics
Classification: Likely pathogenic for Hereditary cancer-predisposing syndrome. Last evaluated: 2025-03-06. Review status: criteria provided, single submitter. Criteria: Ambry Variant Classification Scheme 2023. Collection method: clinical testing. Allele origin: germline.
Comment: The c.1236-404C>T intronic variant results from a C to T substitution 404 nucleotides upstream from coding exon 9 in the ATM gene. This variant (referred to as c.1236-405C>T) has been identified in trans with another ATM variant in an individual diagnosed with Ataxia telangiectasia (Cavalieri S et al. Eur J Hum Genet, 2013 Jul;21:774-8). This nucleotide position is not well conserved in available vertebrate species. In silico splice site analysis predicts that this alteration may result in the creation or strengthening of a novel splice donor site. RNA studies have demonstrated that this alteration results in abnormal splicing (Cavalieri S et al. Eur J Hum Genet, 2013 Jul;21:774-8; Ambry internal data). Based on the majority of available evidence to date, this variant is likely to be pathogenic.

Department of Pathology and Laboratory Medicine, Sinai Health System
Classification: Likely pathogenic for Familial cancer of breast; Ataxia-telangiectasia syndrome. Review status: criteria provided, single submitter. Criteria: ACMG Guidelines, 2015. Collection method: clinical testing. Allele origin: germline.

Literature cited by the submitters: PubMed 23211698 (cited by Ambry Genetics).

NM_000051.4(ATM):c.1236-404C>T

Gene: ATM (ATM serine/threonine kinase; plus strand). Cytogenetic location: 11q22.3.
Variant type: single nucleotide variant.
Coding change: c.1236-404C>T on transcript NM_000051.4 (MANE Select); 404 bases into the intron before coding-DNA position 1236, C replaced by T.
Molecular consequence: intron variant.
Genome position (GRCh38, 1-based): chr11:108,250,297, C>T. VCF-style: chr11-108250297-C-T. GRCh37 (hg19) VCF-style: chr11-108121024-C-T.
Other names: c.1236-404C>T (NM_001351834.2).
Identifiers: ClinVar variation 3446536 (VCV003446536.2).
Genomic context (GRCh38, chr11:108,250,297, plus strand): 5'-CCACCTCCCAGGTTCAAGCAGTTATCCTGCCTCAGCGTCCTGAGTAGCTGGGATTCCAGG[C>T]ATGTGCCACCATGCCCGGCTAATTTTTGTATTTTTAGTAGAGACTGGGTTTCACCATGTT-3'